The following is an entry in ClinVar:

NM_021930.6(RINT1):c.1642A>G (p.Thr548Ala)

Gene: RINT1 (RAD50 interactor 1; plus strand). Cytogenetic location: 7q22.3.
Variant type: single nucleotide variant.
Coding change: c.1642A>G on transcript NM_021930.6 (MANE Select); coding-DNA position 1642, A replaced by G.
Protein change: p.Thr548Ala; replaces threonine 548 with alanine.
Molecular consequence: missense variant.
Genome position (GRCh38, 1-based): chr7:105,555,198, A>G. VCF-style: chr7-105555198-A-G. GRCh37 (hg19) VCF-style: chr7-105195645-A-G.
Other names: c.1408A>G, p.Thr470Ala (NM_001346599.2); c.619A>G, p.Thr207Ala (NM_001346600.2, NM_001346603.2); c.718A>G, p.Thr240Ala (NM_001346601.2); short protein forms T470A, T548A, T207A, T240A.
Identifiers: ClinVar variation 3433559 (VCV003433559.1).

ClinVar aggregate classification (germline): Uncertain significance (1 of 4 stars; one submission).

gnomAD v4.1: 1 of 1,614,038 alleles (0.000062%); highest among the groups gnomAD compares: Non-Finnish European, 0.000085%; no homozygotes.

Submission:

Ambry Genetics
Classification: Uncertain significance. Last evaluated: 2024-11-14. Review status: criteria provided, single submitter. Criteria: Ambry Variant Classification Scheme 2023. Collection method: clinical testing. Allele origin: germline.
Comment: The p.T548A variant (also known as c.1642A>G), located in coding exon 11 of the RINT1 gene, results from an A to G substitution at nucleotide position 1642. The threonine at codon 548 is replaced by alanine, an amino acid with similar properties. This amino acid position is conserved. In addition, this alteration is predicted to be tolerated by in silico analysis. Based on the available evidence, the clinical significance of this variant remains unclear.